The following continues an entry in ClinVar:

NM_000137.4(FAH):c.554-1G>T

Gene: FAH. ClinVar aggregate classification (germline): Pathogenic. Pathogenic (22).

Submissions 18 to 25 of 25:

Myriad Genetics, Inc.
Classification: Pathogenic for Tyrosinemia type I. Last evaluated: 2019-12-20. Review status: criteria provided, single submitter. Criteria: Myriad Women's Health Autosomal Recessive and X-Linked Classification Criteria (2019). Collection method: clinical testing. Allele origin: unknown.
Comment: NM_000137.2(FAH):c.554-1G>T(aka IVS6-1G>T) is classified as pathogenic in the context of tyrosinemia type I. Sources cited for classification include the following: PMID 8557261, 23348723, 21752152, 12203990, and 9633815. Classification of NM_000137.2(FAH):c.554-1G>T(aka IVS6-1G>T) is based on the following criteria: The variant is located at a canonical splice site, is expected to disrupt gene function and is reported in individuals with the relevant phenotype. Please note: this variant was assessed in the context of healthy population screening.

Illumina Laboratory Services, Illumina
Classification: Pathogenic for Tyrosinemia type I. Last evaluated: 2017-04-27. Review status: criteria provided, single submitter. Criteria: ICSL Variant Classification Criteria 09 May 2019. Collection method: clinical testing. Allele origin: germline.
Comment: The FAH c.554-1G>T variant, also known IVS6-1G>T, occurs in a canonical splice site (acceptor) and is therefore predicted to disrupt or distort the normal gene product. The c.554-1G>T variant is a well described common FAH pathogenic variant, accounting for over 16% of tyrosinemia disease-associated alleles worldwide (Sniderman King et al. 2006; Angileri et al. 2015). Across a selection of the available literature, the c.554-1G>T variant has been reported in at least 71 patients including in 48 in a homozygous state, in 16 in a compound heterozygous state, and in seven in a heterozygous state in whom a second variant has not been detected (Rootwelt et al. 1996; Timmers et al. 1996; Bergman et al. 1998; Dreumont et al. 2001; Arranz et al. 2002; la Marca et al. 2011; Dursun et al. 2011; Laszlo et al. 2013; van Vliet et al. 2015; Mayorandan et al. 2014). The variant was absent from 270 control chromosomes but is reported at a frequency of 0.00035 in the European American population of the Exome Sequencing Project. Functional studies have shown that the variant results in an absence of FAH protein, undetectable FAH activity in patient liver cells and fibroblasts, and a complex pattern of aberrant splicing (Bergman et al. 1998; Arranz et al. 2002; Angileri et al. 2015). Based on the collective evidence and the potential impact of splice acceptor variants, the c.554-1G>T variant is classified as pathogenic for tyrosinemia. This variant was observed by ICSL as part of a predisposition screen in an ostensibly healthy population.

Women's Health and Genetics/Laboratory Corporation of America, LabCorp
Classification: Pathogenic for Tyrosinemia type I. Last evaluated: 2017-01-12. Review status: criteria provided, single submitter. Criteria: LabCorp Variant Classification Summary - May 2015. Collection method: clinical testing. Allele origin: germline.
Comment: Variant summary: The FAH c.554-1G>T variant involves the alteration of a conserved intronic nucleotide located in the canonical splice site at the junction of intron6/exon7 border. Mutation taster predicts a damaging outcome for this variant along with 5/5 splice prediction tools predicting the variant to eliminate the splice acceptor site. This variant was found in 13/121368 control chromosomes at a frequency of 0.0001071, which does not exceed the estimated maximal expected allele frequency of a pathogenic FAH variant (0.0025). This variant has been reported in several Tyrosemia type 1 patients either in homozygosity or compound heterozygosity with other potentially pathogenic FAH variant indicating pathogenicity of this variant. RT-PCR products amplified from total RNA extracted from cultured fibroblasts of a patient homozygous for IVS6-1G->T showed aberrant splicing pattern further supporting its deleterious impact. In addition, another variant affecting the same position, c.554-1G>C is reported in HGMD as a disease causing mutation. Moreover, multiple clinical diagnostic laboratories/reputable databases classified this variant as pathogenic. Considering all evidence, the variant is classified as pathogenic.

Eurofins Ntd Llc (ga)
Classification: Pathogenic. Last evaluated: 2015-02-07. Review status: criteria provided, single submitter. Criteria: EGL Classification Definitions. Collection method: clinical testing. Allele origin: germline. Observed: 7 variant alleles, 4 heterozygotes, 3 homozygotes.

Kariminejad - Najmabadi Pathology & Genetics Center
Classification: Pathogenic for Tyrosinemia type I. Review status: criteria provided, single submitter. Criteria: ACMG Guidelines, 2015. Collection method: clinical testing. Allele origin: germline. Affected: no.

OMIM
Classification: Pathogenic for TYROSINEMIA, TYPE I. Last evaluated: 1996-01-01. Review status: no assertion criteria provided. Collection method: literature only. Allele origin: germline. Not counted in ClinVar's aggregate classification.

Dr. Peter K. Rogan Lab, Western University
No classification provided (evidence only). Condition: Thyroid cancer, nonmedullary, 1. Review status: no classification provided. Collection method: in vitro. Allele origin: not applicable. Functional consequence: retained intron. Not counted in ClinVar's aggregate classification.

GeneReviews
No classification provided. Condition: Tyrosinemia type I. Review status: no classification provided. Collection method: literature only. Allele origin: germline. Not counted in ClinVar's aggregate classification.
Comment: Southern European-specific pathogenic variant resulting from founder effect or genetic drift [Angileri et al 2015].

Literature cited by the submitters: PubMed 35281663 (cited by Dasa); PubMed 20301688 (cited by 3 submitters); PubMed 12203990 (cited by 6 submitters); PubMed 8829657 (cited by 4 submitters); PubMed 11476670 (cited by 3 submitters); PubMed 8557261 (cited by Labcorp Genetics (formerly Invitae), Labcorp and Myriad Genetics, Inc.); PubMed 21752152 (cited by 3 submitters); PubMed 25081276 (cited by Mayo Clinic Laboratories, Mayo Clinic and Illumina Laboratory Services, Illumina); PubMed 25681080 (cited by 3 submitters); PubMed 23348723 (cited by Myriad Genetics, Inc.); PubMed 9633815 (cited by Myriad Genetics, Inc. and Illumina Laboratory Services, Illumina); PubMed 23430836 (cited by Illumina Laboratory Services, Illumina); PubMed 23430822 (cited by Illumina Laboratory Services, Illumina); PubMed 25256450 (cited by Illumina Laboratory Services, Illumina); PubMed 24555242 (cited by Illumina Laboratory Services, Illumina); PubMed 8723690 (cited by Illumina Laboratory Services, Illumina); NCBI Bookshelf NBK1515 (cited by GeneReviews).